The following is an entry in ClinVar:

ClinVar aggregate classification (germline): Uncertain significance. Review status: criteria provided, multiple submitters, no conflicts (2 of 4 stars). 2 submissions from 2 submitters: Uncertain significance (2). Last evaluated 2025-11-04.

Conditions:
Primary ciliary dyskinesia. Also called: Ciliary dyskinesia. Identifiers: Orphanet 244, MedGen C0008780, MONDO:0016575, HP:0012265.

Allele frequency attached by ClinVar (database versions not stated): gnomAD exomes below 0.00001.
gnomAD v4.1: 2 of 1,613,832 alleles (0.00012%); highest among the groups gnomAD compares: Non-Finnish European, 0.00017%; no homozygotes.

Submissions (2):

Labcorp Genetics (formerly Invitae), Labcorp
Classification: Uncertain significance for Primary ciliary dyskinesia. Last evaluated: 2025-11-04. Review status: criteria provided, single submitter. Criteria: Invitae Variant Classification Sherloc (09022015). Collection method: clinical testing. Allele origin: germline.
Comment: This sequence change replaces alanine, which is neutral and non-polar, with threonine, which is neutral and polar, at codon 3240 of the DNAH11 protein (p.Ala3240Thr). This variant is not present in population databases (gnomAD no frequency). This variant has not been reported in the literature in individuals affected with DNAH11-related conditions. ClinVar contains an entry for this variant (Variation ID: 1052075). Invitae Evidence Modeling of protein sequence and biophysical properties (such as structural, functional, and spatial information, amino acid conservation, physicochemical variation, residue mobility, and thermodynamic stability) indicates that this missense variant is not expected to disrupt DNAH11 protein function with a negative predictive value of 95%. In summary, the available evidence is currently insufficient to determine the role of this variant in disease. Therefore, it has been classified as a Variant of Uncertain Significance.

Ambry Genetics
Classification: Uncertain significance for Primary ciliary dyskinesia. Last evaluated: 2025-08-02. Review status: criteria provided, single submitter. Criteria: Ambry Variant Classification Scheme 2023. Collection method: clinical testing. Allele origin: germline.

NM_001277115.2(DNAH11):c.9718G>A (p.Ala3240Thr)

Gene: DNAH11 (dynein axonemal heavy chain 11; plus strand). Cytogenetic location: 7p15.3.
Variant type: single nucleotide variant.
Coding change: c.9718G>A on transcript NM_001277115.2 (MANE Select); coding-DNA position 9718, G replaced by A.
Protein change: p.Ala3240Thr; replaces alanine 3240 with threonine.
Molecular consequence: missense variant.
Genome position (GRCh38, 1-based): chr7:21,786,744, G>A. VCF-style: chr7-21786744-G-A. GRCh37 (hg19) VCF-style: chr7-21826362-G-A.
Other names: c.9718G>A (NM_001277115.1); short protein forms A3240T.
Identifiers: ClinVar variation 1052075 (VCV001052075.7), dbSNP rs2127986981, ClinGen allele CA366940778.
Genomic context (GRCh38, chr7:21,786,744, plus strand): 5'-GCAGCCGTGATGGTCCTTCTGGCTCCTCGGGGAAGAGTGCCCAAAGACCGAAGTTGGAAA[G>A]CAGCTAAAGTCTTCATGGGAAAGGTATCAGCCCAGCCTGGCAAGATGAAAATCCTGATAA-3'
Protein context (NP_001264044.1, residues 3230-3250): GRVPKDRSWK[Ala3240Thr]AKVFMGKVDD